The following is an entry in ClinVar:

NC_000017.10:g.(?_78177601)_(78179471_?)dup

Gene: CARD14 (caspase recruitment domain family member 14; plus strand). Cytogenetic location: 17q25.3.
Variant type: Duplication.
Identifiers: ClinVar variation 2426802 (VCV002426802.5).

ClinVar aggregate classification (germline): Uncertain significance (1 of 4 stars; one submission).

Conditions:
Pityriasis rubra pilaris (PRP). Also called: Pityriasis rubra pilaris--familial type. Identifiers: Orphanet 2897, MedGen C0032027, MONDO:0100017, OMIM 173200, MONDO:0008251.
Psoriasis 2. Identifiers: MedGen C1864497, MONDO:0011269, OMIM 602723.

Submission:

Labcorp Genetics (formerly Invitae), Labcorp
Classification: Uncertain significance for Pityriasis rubra pilaris; Psoriasis 2. Last evaluated: 2022-08-19. Review status: criteria provided, single submitter. Criteria: Invitae Variant Classification Sherloc (09022015). Collection method: clinical testing. Allele origin: germline.
Comment: In summary, the available evidence is currently insufficient to determine the role of this variant in disease. Therefore, it has been classified as a Variant of Uncertain Significance. This variant has not been reported in the literature in individuals affected with CARD14-related conditions. This variant results in a copy number gain of the genomic region encompassing exon(s) 16-19 of the CARD14 gene. While the exact position of this variant cannot be determined from the data, sub-genic copy number gains are generally in tandem (PMID: 25640679). This variant is predicted to be out-of-frame, and may result in an absent or disrupted protein product. However, the current clinical and genetic evidence is not sufficient to establish whether loss-of-function variants in CARD14 cause disease.

Literature cited by the submitters: PubMed 25640679.